The following is an entry in ClinVar:

ClinVar aggregate classification (germline): Uncertain significance (1 of 4 stars; one submission).

gnomAD v4.1: 1 of 1,614,074 alleles (0.000062%); highest among the groups gnomAD compares: Non-Finnish European, 0.000085%; no homozygotes.

Submission:

GeneDx
Classification: Uncertain significance. Last evaluated: 2014-08-04. Review status: criteria provided, single submitter. Criteria: GeneDx Variant Classification (06012015). Collection method: clinical testing. Allele origin: germline. Affected: yes.
Comment: Missense variants in the TTN gene are considered 'unclassified' if they are not previously reported in the literature and do not have >1% frequency in the population to be considered a polymorphism. Research indicates that truncating mutations in the TTN gene are expected to account for approximately 25% of familial and 18% of sporadic idiopathic DCM; however, truncating variants in the TTN gene have been reported in approximately 3% of reported control alleles. There has been little investigation into non-truncating variants. (Herman D et al. Truncations of titin causing dilated cardiomyopathy. N Eng J Med 366:619-628, 2012) The variant is found in CARDIOMYOPATHY panel(s).

NM_001267550.2(TTN):c.9359G>C (p.Arg3120Pro)

Gene: TTN (titin; minus strand). Cytogenetic location: 2q31.2.
Variant type: single nucleotide variant.
Coding change: c.9359G>C on transcript NM_001267550.2 (MANE Select); coding-DNA position 9359, G replaced by C.
Protein change: p.Arg3120Pro; replaces arginine 3120 with proline.
Molecular consequence: missense variant.
Genome position (GRCh38, 1-based): chr2:178,767,871, C>G on the plus strand (G>C on the coding strand, the complement: TTN is on the minus strand). VCF-style: chr2-178767871-C-G. GRCh37 (hg19) VCF-style: chr2-179632598-C-G.
Other names: p.R3120P:CGG>CCG; c.9359G>C, p.Arg3120Pro (NM_001256850.1, NM_133378.4, NM_133379.5); c.9221G>C, p.Arg3074Pro (NM_003319.4, NM_133432.3, NM_133437.4); short protein forms R3120P, R3074P.
Identifiers: ClinVar variation 203168 (VCV000203168.2), dbSNP rs72647894, ClinGen allele CA311547.